The following is an entry in ClinVar:

NM_139276.3(STAT3):c.1333G>A (p.Val445Met)

Gene: STAT3 (signal transducer and activator of transcription 3; minus strand). Cytogenetic location: 17q21.2.
Variant type: single nucleotide variant.
Coding change: c.1333G>A on transcript NM_139276.3 (MANE Select); coding-DNA position 1333, G replaced by A.
Protein change: p.Val445Met; replaces valine 445 with methionine.
Molecular consequence: missense variant. On other transcripts: intron variant (1).
Genome position (GRCh38, 1-based): chr17:42,326,148, C>T on the plus strand (G>A on the coding strand, the complement: STAT3 is on the minus strand). VCF-style: chr17-42326148-C-T. GRCh37 (hg19) VCF-style: chr17-40478166-C-T.
Other names: c.1333G>A, p.Val445Met (NM_001369512.1, NM_001369513.1, NM_001369514.1 and 11 more transcripts); c.1255G>A, p.Val419Met (NM_001384985.1); c.1348G>A, p.Val450Met (NM_001384986.1, NM_001384990.1); c.1237G>A, p.Val413Met (NM_001384989.1); c.1273G>A, p.Val425Met (NM_001384992.1); c.1282-1087G>A (NM_001384984.1); short protein forms V413M, V419M, V425M, V445M, V450M.
Identifiers: ClinVar variation 3024532 (VCV003024532.3), dbSNP rs1180308108, ClinGen allele CA399587702.

ClinVar aggregate classification (germline): Uncertain significance (1 of 4 stars; one submission).

Conditions:
STAT3-related early-onset multisystem autoimmune disease. Also called: Autoimmune disease, multisystem, infantile-onset, 1. Identifiers: Orphanet 438159, MedGen C4014795, MONDO:0014414, OMIM 615952.

gnomAD v4.1: 5 of 1,614,024 alleles (0.00031%); highest among the groups gnomAD compares: Non-Finnish European, 0.00042%; no homozygotes.

Submission:

Institute of Human Genetics, University of Leipzig Medical Center
Classification: Uncertain significance for STAT3-related early-onset multisystem autoimmune disease. Last evaluated: 2025-03-04. Review status: criteria provided, single submitter. Criteria: ACMG Guidelines, 2015. Collection method: clinical testing. Allele origin: unknown. Inheritance: Autosomal dominant inheritance. Affected: yes.
Comment: Criteria applied: PM1_SUP,PM2,PP3